The following is an entry in ClinVar:

NM_002408.4(MGAT2):c.1233A>T (p.Leu411=)

Gene: MGAT2 (alpha-1,6-mannosyl-glycoprotein 2-beta-N-acetylglucosaminyltransferase; plus strand). Cytogenetic location: 14q21.3.
Variant type: single nucleotide variant.
Coding change: c.1233A>T on transcript NM_002408.4 (MANE Select); coding-DNA position 1233, A replaced by T.
Protein change: p.Leu411=; no amino-acid change (leucine 411 retained).
Molecular consequence: synonymous variant.
Genome position (GRCh38, 1-based): chr14:49,622,501, A>T. VCF-style: chr14-49622501-A-T. GRCh37 (hg19) VCF-style: chr14-50089219-A-T.
Identifiers: ClinVar variation 313258 (VCV000313258.12), dbSNP rs563513161, ClinGen allele CA7172653.
Genomic context (GRCh38, chr14:49,622,501, plus strand): 5'-GAGTGCCCAAATTGAGTCACTCTTAAATAATAACAAACAATACATGTTTCCAGAAACTCT[A>T]ACTATCAGTGAAAAGTTTACTGTGGTAGCCATTTCCCCACCTAGAAAAAATGGAGGGTGG-3'
Protein context (NP_002399.1, residues 401-421): NNKQYMFPET[Leu411=]TISEKFTVVA

ClinVar aggregate classification (germline): Conflicting classifications of pathogenicity. Review status: criteria provided, conflicting classifications (1 of 4 stars). 4 submissions from 4 submitters: Uncertain significance (1); Benign (1); Likely benign (2). Last evaluated 2024-11-13.

Conditions:
MGAT2-congenital disorder of glycosylation. Also called: MGAT2-CDG; MENTAL RETARDATION, GROWTH RETARDATION, PROMINENT COLUMELLA, AND OPEN MOUTH; Alkuraya syndrome; CDG IIa; Congenital disorder of glycosylation, type IIa. Identifiers: Orphanet 79329, MedGen C2931008, MONDO:0008908, OMIM 212066.

Allele frequency attached by ClinVar (database versions not stated): TOPMed 0.00001; 1000 Genomes Project 0.00080; 1000 Genomes Project 30x 0.00109.

Submissions (4):

Blueprint Genetics
Classification: Likely benign. Last evaluated: 2024-11-13. Review status: criteria provided, single submitter. Criteria: ACMG Guidelines, 2015. Collection method: clinical testing. Allele origin: germline.

Labcorp Genetics (formerly Invitae), Labcorp
Classification: Benign for MGAT2-congenital disorder of glycosylation. Last evaluated: 2020-03-19. Review status: criteria provided, single submitter. Criteria: Invitae Variant Classification Sherloc (09022015). Collection method: clinical testing. Allele origin: germline.

Illumina Laboratory Services, Illumina
Classification: Uncertain significance for MGAT2-congenital disorder of glycosylation. Last evaluated: 2018-01-13. Review status: criteria provided, single submitter. Criteria: ICSL Variant Classification Criteria 13 December 2019. Collection method: clinical testing. Allele origin: germline.

GeneDx
Classification: Likely benign. Last evaluated: 2017-08-08. Review status: criteria provided, single submitter. Criteria: GeneDx Variant Classification (06012015). Collection method: clinical testing. Allele origin: germline. Affected: yes.
Comment: This variant is considered likely benign or benign based on one or more of the following criteria: it is a conservative change, it occurs at a poorly conserved position in the protein, it is predicted to be benign by multiple in silico algorithms, and/or has population frequency not consistent with disease.